The following is an entry in ClinVar:

NM_004369.4(COL6A3):c.1751A>G (p.Asn584Ser)

Gene: COL6A3 (collagen type VI alpha 3 chain; minus strand). Cytogenetic location: 2q37.3.
Variant type: single nucleotide variant.
Coding change: c.1751A>G on transcript NM_004369.4 (MANE Select); coding-DNA position 1751, A replaced by G.
Protein change: p.Asn584Ser; replaces asparagine 584 with serine.
Molecular consequence: missense variant.
Genome position (GRCh38, 1-based): chr2:237,381,061, T>C on the plus strand (A>G on the coding strand, the complement: COL6A3 is on the minus strand). VCF-style: chr2-237381061-T-C. GRCh37 (hg19) VCF-style: chr2-238289704-T-C.
Other names: c.530A>G, p.Asn177Ser (NM_057164.5, NM_057166.5); c.1133A>G, p.Asn378Ser (NM_057165.5, NM_057167.4); short protein forms N177S, N378S, N584S.
Identifiers: ClinVar variation 1198577 (VCV001198577.11), dbSNP rs375285237, ClinGen allele CA2189563.

ClinVar aggregate classification (germline): Uncertain significance. Review status: criteria provided, multiple submitters, no conflicts (2 of 4 stars). 3 submissions from 3 submitters: Uncertain significance (3). Last evaluated 2022-05-12.

Conditions:
Bethlem myopathy 1A. Also called: MYOPATHY, BENIGN CONGENITAL, WITH CONTRACTURES; Bethlem Muscular Dystrophy; Bethlem myopathy 1. Identifiers: Orphanet 610, MedGen CN029274, MONDO:0024530, OMIM 158810.

Allele frequency attached by ClinVar (database versions not stated): gnomAD exomes 0.00001 and 0.00006; ExAC 0.00002; TOPMed 0.00002; gnomAD 0.00003; ESP Exome Variant Server 0.00008.
gnomAD v4.1: 89 of 1,614,110 alleles (0.0055%); highest among the groups gnomAD compares: Non-Finnish European, 0.0073%; no homozygotes.

Submissions (3):

Labcorp Genetics (formerly Invitae), Labcorp
Classification: Uncertain significance for Bethlem myopathy 1A. Last evaluated: 2022-05-12. Review status: criteria provided, single submitter. Criteria: Invitae Variant Classification Sherloc (09022015). Collection method: clinical testing. Allele origin: germline.
Comment: This variant is present in population databases (rs375285237, gnomAD 0.003%). This sequence change replaces asparagine, which is neutral and polar, with serine, which is neutral and polar, at codon 584 of the COL6A3 protein (p.Asn584Ser). ClinVar contains an entry for this variant (Variation ID: 1198577). This variant has not been reported in the literature in individuals affected with COL6A3-related conditions. In summary, the available evidence is currently insufficient to determine the role of this variant in disease. Therefore, it has been classified as a Variant of Uncertain Significance. Advanced modeling of protein sequence and biophysical properties (such as structural, functional, and spatial information, amino acid conservation, physicochemical variation, residue mobility, and thermodynamic stability) performed at Invitae indicates that this missense variant is not expected to disrupt COL6A3 protein function.

GeneDx
Classification: Uncertain significance. Last evaluated: 2021-02-11. Review status: criteria provided, single submitter. Criteria: GeneDx Variant Classification Process June 2021. Collection method: clinical testing. Allele origin: germline. Affected: yes.
Comment: Not observed at a significant frequency in large population cohorts (Lek et al., 2016); In silico analysis supports that this missense variant does not alter protein structure/function; Has not been previously published as pathogenic or benign to our knowledge

Revvity Omics, Revvity
Classification: Uncertain significance. Last evaluated: 2019-03-07. Review status: criteria provided, single submitter. Criteria: ACMG Guidelines, 2015. Collection method: clinical testing. Allele origin: germline.